The following is an entry in ClinVar:

NM_015662.3(IFT172):c.549T>C (p.Asp183=)

Gene: IFT172 (intraflagellar transport 172; minus strand). Cytogenetic location: 2p23.3.
Variant type: single nucleotide variant.
Coding change: c.549T>C on transcript NM_015662.3 (MANE Select); coding-DNA position 549, T replaced by C.
Protein change: p.Asp183=; no amino-acid change (aspartic acid 183 retained).
Molecular consequence: synonymous variant.
Genome position (GRCh38, 1-based): chr2:27,483,310, A>G on the plus strand (T>C on the coding strand, the complement: IFT172 is on the minus strand). VCF-style: chr2-27483310-A-G. GRCh37 (hg19) VCF-style: chr2-27706177-A-G.
Other names: c.549T>C, p.Asp183= (NM_001410739.1); c.549T>C (NM_015662.2).
Identifiers: ClinVar variation 1956038 (VCV001956038.6), dbSNP rs1306924820, ClinGen allele CA425414537.

ClinVar aggregate classification (germline): Likely benign. Review status: criteria provided, single submitter (1 of 4 stars). 2 submissions from 2 submitters: Likely benign (1). 1 of the submissions does not count toward it. Last evaluated 2022-04-28.

Conditions:
Short-rib thoracic dysplasia 10 with or without polydactyly (SRTD10). Identifiers: Orphanet 474, MedGen C3810175, MONDO:0014284, OMIM 615630.
Retinitis pigmentosa 71 (RP71). Identifiers: Orphanet 791, MedGen C4225342, MONDO:0014618, OMIM 616394.
IFT172-related disorder. Also called: IFT172-related condition; IFT172-related disorders.

Submissions (2):

Labcorp Genetics (formerly Invitae), Labcorp
Classification: Likely benign for Retinitis pigmentosa 71; Short-rib thoracic dysplasia 10 with or without polydactyly. Last evaluated: 2022-04-28. Review status: criteria provided, single submitter. Criteria: Invitae Variant Classification Sherloc (09022015). Collection method: clinical testing. Allele origin: germline.

PreventionGenetics, part of Exact Sciences
Classification: Likely benign for IFT172-related condition. Last evaluated: 2024-09-06. Review status: no assertion criteria provided. Collection method: clinical testing. Allele origin: germline. Not counted in ClinVar's aggregate classification.
Comment: This variant is classified as likely benign based on ACMG/AMP sequence variant interpretation guidelines (Richards et al. 2015 PMID: 25741868, with internal and published modifications).